The following is an entry in ClinVar:

NM_001319074.4(RAX2):c.-76T>C

Gene: RAX2 (retina and anterior neural fold homeobox 2; minus strand). Cytogenetic location: 19p13.3.
Variant type: single nucleotide variant.
Coding change: c.-76T>C on transcript NM_001319074.4 (MANE Select); 76 bases upstream of the start codon, T replaced by C.
Molecular consequence: 5 prime UTR variant. On other transcripts: intron variant (1).
Genome position (GRCh38, 1-based): chr19:3,771,818, A>G on the plus strand (T>C on the coding strand, the complement: RAX2 is on the minus strand). VCF-style: chr19-3771818-A-G. GRCh37 (hg19) VCF-style: chr19-3771816-A-G.
Other names: c.-9-67T>C (NM_032753.4).
Identifiers: ClinVar variation 4979061 (VCV004979061.1).
Genomic context (GRCh38, chr19:3,771,818, plus strand): 5'-GGACGGCAGCGGGACAGATGGTGGGGAGACGGCTGGGGGGGCTACCGGCAGGGACAGGGC[A>G]GGGGAGCCCCAGGCTTGCCTCCCGGCTCCGGGGAAATCGGTTCCCTCCACTGGGGCCGGC-3'

ClinVar aggregate classification (germline): Likely benign (1 of 4 stars; one submission).

Conditions:
RAX2-related disorder. Also called: RAX2-related condition; RAX2-related disorders.

Submission:

PreventionGenetics, part of Exact Sciences
Classification: Likely benign for RAX2-related condition. Last evaluated: 2026-09-13. Review status: criteria provided, single submitter. Criteria: ACMG Guidelines, 2015. Collection method: clinical testing. Allele origin: germline.
Comment: This variant is classified as likely benign based on ACMG/AMP sequence variant interpretation guidelines (Richards et al. 2015 PMID: 25741868, with internal and published modifications).